The following is an entry in ClinVar:

ClinVar aggregate classification (germline): Uncertain significance (1 of 4 stars; one submission).

Conditions:
DPAGT1-congenital disorder of glycosylation. Also called: DPAGT1-CDG; CONGENITAL DISORDER OF GLYCOSYLATION, TYPE Ij; CDG Ij. Identifiers: Orphanet 86309, MedGen C2931004, MONDO:0011964, OMIM 608093.
Congenital myasthenic syndrome 13 (CMS13). Also called: Myasthenic syndrome, congenital, with tubular aggregates 2; Myasthenic syndrome, congenital, 13, with tubular aggregates. Identifiers: Orphanet 353327, Orphanet 590, MedGen C3553645, MONDO:0013883, OMIM 614750.

Submission:

Labcorp Genetics (formerly Invitae), Labcorp
Classification: Uncertain significance for Congenital myasthenic syndrome 13; DPAGT1-CDG. Last evaluated: 2019-07-23. Review status: criteria provided, single submitter. Criteria: Invitae Variant Classification Sherloc (09022015). Collection method: clinical testing. Allele origin: germline.
Comment: This sequence change replaces glutamic acid with glycine at codon 315 of the DPAGT1 protein (p.Glu315Gly). The glutamic acid residue is moderately conserved and there is a moderate physicochemical difference between glutamic acid and glycine. This variant is not present in population databases (ExAC no frequency). This variant has not been reported in the literature in individuals with DPAGT1-related conditions. Algorithms developed to predict the effect of missense changes on protein structure and function (SIFT, PolyPhen-2, Align-GVGD) all suggest that this variant is likely to be tolerated, but these predictions have not been confirmed by published functional studies and their clinical significance is uncertain. In summary, the available evidence is currently insufficient to determine the role of this variant in disease. Therefore, it has been classified as a Variant of Uncertain Significance.

NM_001382.4(DPAGT1):c.944A>G (p.Glu315Gly)

Gene: DPAGT1 (dolichyl-phosphate N-acetylglucosaminephosphotransferase 1; minus strand). Cytogenetic location: 11q23.3.
Variant type: single nucleotide variant.
Coding change: c.944A>G on transcript NM_001382.4 (MANE Select); coding-DNA position 944, A replaced by G.
Protein change: p.Glu315Gly; replaces glutamic acid 315 with glycine.
Molecular consequence: missense variant.
Genome position (GRCh38, 1-based): chr11:119,097,525, T>C on the plus strand (A>G on the coding strand, the complement: DPAGT1 is on the minus strand). VCF-style: chr11-119097525-T-C. GRCh37 (hg19) VCF-style: chr11-118968235-T-C.
Other names: short protein forms E315G.
Identifiers: ClinVar variation 941063 (VCV000941063.1), dbSNP rs1946419999, ClinGen allele CA382909983.
Genomic context (GRCh38, chr11:119,097,525, plus strand): 5'-TTTAAAATAAAGGTGCCCAAGAAAGAGAGGCTCTTGGTCTTGAACTTGGAATAGCTCATC[T>C]CCAGTTTGCCTGTCTTGATATTGAGTCTGCGGGGGGAAGATAGCTTCATGTGACTGGGCC-3'
Protein context (NP_001373.2, residues 305-325): PRLNIKTGKL[Glu315Gly]MSYSKFKTKS